The following is an entry in ClinVar:

ClinVar aggregate classification (germline): Pathogenic (1 of 4 stars; one submission).

Submission:

GeneDx
Classification: Pathogenic. Last evaluated: 2023-05-10. Review status: criteria provided, single submitter. Criteria: GeneDx Variant Classification Process June 2021. Collection method: clinical testing. Allele origin: germline. Affected: yes.
Comment: Identified in a patient with Wiedemann-Steiner syndrome in published literature (Sheppard et al., 2021); Nonsense variant predicted to result in protein truncation or nonsense mediated decay in a gene for which loss of function is a known mechanism of disease; Not observed at significant frequency in large population cohorts (gnomAD); This variant is associated with the following publications: (PMID: 33783954)

NM_001197104.2(KMT2A):c.9133C>T (p.Gln3045Ter)

Gene: KMT2A (lysine methyltransferase 2A; plus strand). Cytogenetic location: 11q23.3.
Variant type: single nucleotide variant.
Coding change: c.9133C>T on transcript NM_001197104.2 (MANE Select); coding-DNA position 9133, C replaced by T.
Protein change: p.Gln3045Ter; replaces glutamine 3045 with a stop codon.
Molecular consequence: nonsense.
Genome position (GRCh38, 1-based): chr11:118,505,025, C>T. VCF-style: chr11-118505025-C-T. GRCh37 (hg19) VCF-style: chr11-118375740-C-T.
Other names: c.9124C>T, p.Gln3042Ter (NM_005933.4); short protein forms Q3045*, Q3042*.
Identifiers: ClinVar variation 426740 (VCV000426740.4), dbSNP rs1085307772, ClinGen allele CA382818536.